The following is an entry in ClinVar:

ClinVar aggregate classification (germline): Uncertain significance (1 of 4 stars; one submission).

Conditions:
Congenital heart disease (CHD). Identifiers: MedGen C0152021, MONDO:0005453. Disease mechanism: unknown.

Submission:

Embryology Laboratory, Victor Chang Cardiac Research Institute
Classification: Uncertain significance for Congenital heart disease. Last evaluated: 2025-08-12. Review status: criteria provided, single submitter. Criteria: ACMG Guidelines, 2015. Collection method: research. Allele origin: inherited. Inheritance: Autosomal dominant inheritance. Affected: yes. Observed: 2 variant alleles.
Comment: CEMIP2 and Congenital heart disease are not a known gene/disease relationship, the variant is therefore classified as VUS.

NM_013390.3(CEMIP2):c.22G>C (p.Gly8Arg)

Gene: CEMIP2 (cell migration inducing hyaluronidase 2; minus strand). Cytogenetic location: 9q21.13.
Variant type: single nucleotide variant.
Coding change: c.22G>C on transcript NM_013390.3 (MANE Select); coding-DNA position 22, G replaced by C.
Protein change: p.Gly8Arg; replaces glycine 8 with arginine.
Molecular consequence: missense variant. On other transcripts: 5 prime UTR variant (1).
Genome position (GRCh38, 1-based): chr9:71,750,352, C>G on the plus strand (G>C on the coding strand, the complement: CEMIP2 is on the minus strand). VCF-style: chr9-71750352-C-G. GRCh37 (hg19) VCF-style: chr9-74365268-C-G.
Other names: c.22G>C, p.Gly8Arg (NM_001135820.2); c.-1859G>C (NM_001349784.2); short protein forms G8R.
Identifiers: ClinVar variation 4075821 (VCV004075821.1).
Genomic context (GRCh38, chr9:71,750,352, plus strand): 5'-CATAGCCAGATGGGTGACGACTATTTCCATTCTGAGGTTGGAGGAAAGCAGGGGAGTGTC[C>G]CCTGGAATCAGTGGCATACATGATACACTGTTACTGTGAAAAGAAAAAAAAATTAAGCTT-3'
Protein context (NP_037522.1, residues 1-18): MYATDSR[Gly8Arg]HSPAFLQPQN